The following is an entry in ClinVar:

NM_014874.4(MFN2):c.1966G>A (p.Ala656Thr)

Gene: MFN2 (mitofusin 2; plus strand). Cytogenetic location: 1p36.22.
Variant type: single nucleotide variant.
Coding change: c.1966G>A on transcript NM_014874.4 (MANE Select); coding-DNA position 1966, G replaced by A.
Protein change: p.Ala656Thr; replaces alanine 656 with threonine.
Molecular consequence: missense variant.
Genome position (GRCh38, 1-based): chr1:12,007,146, G>A. VCF-style: chr1-12007146-G-A. GRCh37 (hg19) VCF-style: chr1-12067203-G-A.
Other names: c.1966G>A, p.Ala656Thr (NM_001127660.2); c.1966G>A (NM_001127660.1); short protein forms A656T.
Identifiers: ClinVar variation 2765416 (VCV002765416.4), dbSNP rs2523100349, ClinGen allele CA338451200.

ClinVar aggregate classification (germline): Uncertain significance. Review status: criteria provided, multiple submitters, no conflicts (2 of 4 stars). 2 submissions from 2 submitters: Uncertain significance (2). Last evaluated 2025-09-10.

Conditions:
Charcot-Marie-Tooth disease type 2A2. Also called: CHARCOT-MARIE-TOOTH DISEASE, AXONAL, TYPE 2A2; CHARCOT-MARIE-TOOTH DISEASE, NEURONAL, TYPE 2A2; HEREDITARY MOTOR AND SENSORY NEUROPATHY IIA2; HMSN IIA2; Charcot-Marie-Tooth Neuropathy Type 2A2; CHARCOT-MARIE-TOOTH DISEASE, AXONAL, AUTOSOMAL DOMINANT, TYPE 2A2A. Identifiers: Orphanet 99947, MedGen C4721887, MONDO:0012231, OMIM 609260.
Charcot-Marie-Tooth disease type 2. Also called: Charcot-Marie-Tooth type 2. Identifiers: Orphanet 64746, MedGen C0270914, MONDO:0018993.

Submissions (2):

Genomic Medicine Center of Excellence, King Faisal Specialist Hospital and Research Centre
Classification: Uncertain significance for Charcot-Marie-Tooth disease type 2A2. Last evaluated: 2025-09-10. Review status: criteria provided, single submitter. Criteria: ACMG Guidelines, 2015. Collection method: clinical testing. Allele origin: germline.

Labcorp Genetics (formerly Invitae), Labcorp
Classification: Uncertain significance for Charcot-Marie-Tooth disease type 2. Last evaluated: 2023-11-27. Review status: criteria provided, single submitter. Criteria: Invitae Variant Classification Sherloc (09022015). Collection method: clinical testing. Allele origin: germline.
Comment: This sequence change replaces alanine, which is neutral and non-polar, with threonine, which is neutral and polar, at codon 656 of the MFN2 protein (p.Ala656Thr). This variant is not present in population databases (gnomAD no frequency). This variant has not been reported in the literature in individuals affected with MFN2-related conditions. Advanced modeling of protein sequence and biophysical properties (such as structural, functional, and spatial information, amino acid conservation, physicochemical variation, residue mobility, and thermodynamic stability) performed at Invitae indicates that this missense variant is expected to disrupt MFN2 protein function with a positive predictive value of 95%. In summary, the available evidence is currently insufficient to determine the role of this variant in disease. Therefore, it has been classified as a Variant of Uncertain Significance.